The following is an entry in ClinVar:

ClinVar aggregate classification (germline): Uncertain significance. Review status: criteria provided, multiple submitters, no conflicts (2 of 4 stars). 2 submissions from 2 submitters: Uncertain significance (2). Last evaluated 2025-05-30.

gnomAD v4.1: 7 of 1,610,334 alleles (0.00043%); highest among the groups gnomAD compares: Non-Finnish European, 0.00059%; no homozygotes.

Submissions (2):

Labcorp Genetics (formerly Invitae), Labcorp
Classification: Uncertain significance. Last evaluated: 2025-05-30. Review status: criteria provided, single submitter. Criteria: Invitae Variant Classification Sherloc (09022015). Collection method: clinical testing. Allele origin: germline.
Comment: This sequence change replaces serine, which is neutral and polar, with asparagine, which is neutral and polar, at codon 1446 of the SLIT2 protein (p.Ser1446Asn). This variant is present in population databases (no rsID available, gnomAD 0.003%). This variant has not been reported in the literature in individuals affected with SLIT2-related conditions. ClinVar contains an entry for this variant (Variation ID: 3320499). An algorithm developed to predict the effect of missense changes on protein structure and function (PolyPhen-2) suggests that this variant is likely to be tolerated. In summary, the available evidence is currently insufficient to determine the role of this variant in disease. Therefore, it has been classified as a Variant of Uncertain Significance.

Ambry Genetics
Classification: Uncertain significance. Last evaluated: 2024-03-31. Review status: criteria provided, single submitter. Criteria: Ambry Variant Classification Scheme 2023. Collection method: clinical testing. Allele origin: germline.

NM_004787.4(SLIT2):c.4337G>A (p.Ser1446Asn)

Gene: SLIT2 (slit guidance ligand 2; plus strand). Cytogenetic location: 4p15.31.
Variant type: single nucleotide variant.
Coding change: c.4337G>A on transcript NM_004787.4 (MANE Select); coding-DNA position 4337, G replaced by A.
Protein change: p.Ser1446Asn; replaces serine 1446 with asparagine.
Molecular consequence: missense variant.
Genome position (GRCh38, 1-based): chr4:20,617,639, G>A. VCF-style: chr4-20617639-G-A. GRCh37 (hg19) VCF-style: chr4-20619262-G-A.
Other names: c.4325G>A, p.Ser1442Asn (NM_001289135.3); c.4313G>A, p.Ser1438Asn (NM_001289136.3); short protein forms S1438N, S1442N, S1446N.
Identifiers: ClinVar variation 3320499 (VCV003320499.2).